The following is an entry in ClinVar:

ClinVar aggregate classification (germline): Uncertain significance (1 of 4 stars; one submission).

Conditions:
MAGEL2-related disorder. Also called: MAGEL2-related condition.

Submission:

PreventionGenetics, part of Exact Sciences
Classification: Uncertain significance for MAGEL2-related condition. Last evaluated: 2025-04-30. Review status: criteria provided, single submitter. Criteria: ACMG Guidelines, 2015. Collection method: clinical testing. Allele origin: germline.
Comment: The MAGEL2 c.805A>T variant is predicted to result in the amino acid substitution p.Thr269Ser. To our knowledge, this variant has not been reported in the literature or in a large population database (gnomAD), indicating this variant is rare. At this time, the clinical significance of this variant is uncertain due to the absence of conclusive functional and genetic evidence.

NM_019066.5(MAGEL2):c.805A>T (p.Thr269Ser)

Gene: MAGEL2 (MAGE family member L2; minus strand). Cytogenetic location: 15q11.2.
Variant type: single nucleotide variant.
Coding change: c.805A>T on transcript NM_019066.5 (MANE Select); coding-DNA position 805, A replaced by T.
Protein change: p.Thr269Ser; replaces threonine 269 with serine.
Molecular consequence: missense variant.
Genome position (GRCh38, 1-based): chr15:23,646,938, T>A on the plus strand (A>T on the coding strand, the complement: MAGEL2 is on the minus strand). VCF-style: chr15-23646938-T-A. GRCh37 (hg19) VCF-style: chr15-23892085-T-A.
Other names: short protein forms T269S.
Identifiers: ClinVar variation 4999159 (VCV004999159.1).